The following is an entry in ClinVar:

ClinVar aggregate classification (germline): Uncertain significance (1 of 4 stars; one submission).

Submission:

GeneDx
Classification: Uncertain significance. Last evaluated: 2024-03-14. Review status: criteria provided, single submitter. Criteria: GeneDx Variant Classification Process June 2021. Collection method: clinical testing. Allele origin: germline. Affected: yes.
Comment: Not observed at significant frequency in large population cohorts (gnomAD); In silico analysis supports that this missense variant has a deleterious effect on protein structure/function; Has not been previously published as pathogenic or benign to our knowledge

NM_003611.3(OFD1):c.716A>G (p.Glu239Gly)

Gene: OFD1 (OFD1 centriole and centriolar satellite protein; plus strand). Cytogenetic location: Xp22.2.
Variant type: single nucleotide variant.
Coding change: c.716A>G on transcript NM_003611.3 (MANE Select); coding-DNA position 716, A replaced by G.
Protein change: p.Glu239Gly; replaces glutamic acid 239 with glycine.
Molecular consequence: missense variant.
Genome position (GRCh38, 1-based): chrX:13,746,841, A>G. VCF-style: chrX-13746841-A-G. GRCh37 (hg19) VCF-style: chrX-13764960-A-G.
Other names: c.716A>G, p.Glu239Gly (NM_001330209.2); c.296A>G, p.Glu99Gly (NM_001330210.2); short protein forms E239G, E99G.
Identifiers: ClinVar variation 1810079 (VCV001810079.2), dbSNP rs2518838960, ClinGen allele CA412337948.